The following is an entry in ClinVar:

ClinVar aggregate classification (germline): Uncertain significance (1 of 4 stars; one submission).

gnomAD v4.1: 16 of 1,613,162 alleles (0.00099%); highest among the groups gnomAD compares: Non-Finnish European, 0.0014%; no homozygotes.

Submission:

GeneDx
Classification: Uncertain significance. Last evaluated: 2025-01-30. Review status: criteria provided, single submitter. Criteria: GeneDx Variant Classification Process June 2021. Collection method: clinical testing. Allele origin: germline. Affected: yes.
Comment: Not observed at significant frequency in large population cohorts (gnomAD); In silico analysis supports that this missense variant has a deleterious effect on protein structure/function; Has not been previously published as pathogenic or benign to our knowledge

NM_016356.5(DCDC2):c.46G>C (p.Val16Leu)

Genes: DCDC2 (doublecortin domain containing 2; minus strand), KAAG1 (kidney associated DCDC2 antisense RNA 1; plus strand). Cytogenetic location: 6p22.3.
Variant type: single nucleotide variant.
Coding change: c.46G>C on transcript NM_016356.5 (MANE Select); coding-DNA position 46, G replaced by C.
Protein change: p.Val16Leu; replaces valine 16 with leucine.
Molecular consequence: missense variant. On other transcripts: non-coding transcript variant (1).
Genome position (GRCh38, 1-based): chr6:24,357,705, C>G on the plus strand (G>C on the coding strand, the complement: DCDC2 is on the minus strand). VCF-style: chr6-24357705-C-G. GRCh37 (hg19) VCF-style: chr6-24357933-C-G.
Other names: c.46G>C, p.Val16Leu (NM_001195610.2); short protein forms V16L.
Identifiers: ClinVar variation 4072604 (VCV004072604.1).